The following is an entry in ClinVar:

ClinVar aggregate classification (germline): Likely benign (0 of 4 stars; one submission).

Conditions:
TSIX-related disorder. Also called: TSIX-related condition.

Allele frequency attached by ClinVar (database versions not stated): 1000 Genomes Project 30x 0.00021; 1000 Genomes Project 0.00026; TOPMed 0.00029; ExAC 0.00052; gnomAD exomes 0.00052; gnomAD 0.00064.
gnomAD v4.1: 303 of 556,257 alleles (0.054%); highest among the groups gnomAD compares: Non-Finnish European, 0.056%; 1 homozygote.

Submission:

PreventionGenetics, part of Exact Sciences
Classification: Likely benign for TSIX-related condition. Last evaluated: 2023-08-30. Review status: no assertion criteria provided. Collection method: clinical testing. Allele origin: germline.
Comment: This variant is classified as likely benign based on ACMG/AMP sequence variant interpretation guidelines (Richards et al. 2015 PMID: 25741868, with internal and published modifications).

NR_003255.2(TSIX):n.29223T>G

Genes: TSIX (TSIX transcript, XIST antisense RNA; plus strand), XIST (X inactive specific transcript; minus strand). Cytogenetic location: Xq13.2.
Variant type: single nucleotide variant.
Molecular consequence: non-coding transcript variant (on NR_003255.2).
Genome position: GRCh38 VCF-style: chrX-73821427-T-G. GRCh37 (hg19) VCF-style: chrX-73041262-T-G.
Identifiers: ClinVar variation 3041021 (VCV003041021.2), dbSNP rs146527891, ClinGen allele CA10451775.